The following is an entry in ClinVar:

NM_001371904.1(APOA5):c.173A>C (p.Asp58Ala)

Genes: APOA5 (apolipoprotein A5; minus strand), LOC108491825 (enhancer-blocking element 11-1-2 overlapping APOA5; plus strand). Cytogenetic location: 11q23.3.
Variant type: single nucleotide variant.
Coding change: c.173A>C on transcript NM_001371904.1 (MANE Select); coding-DNA position 173, A replaced by C.
Protein change: p.Asp58Ala; replaces aspartic acid 58 with alanine.
Molecular consequence: missense variant.
Genome position (GRCh38, 1-based): chr11:116,791,056, T>G on the plus strand (A>C on the coding strand, the complement: APOA5 is on the minus strand). VCF-style: chr11-116791056-T-G. GRCh37 (hg19) VCF-style: chr11-116661772-T-G.
Other names: c.173A>C, p.Asp58Ala (NM_001166598.2, NM_052968.5); short protein forms D58A.
Identifiers: ClinVar variation 4124151 (VCV004124151.1).
Genomic context (GRCh38, chr11:116,791,056, plus strand): 5'-CTCAGAGGCCTCAGCTTTTCCAGGAACTTGTTCATATTGTTGAGGTCTTGCTCAAGGCTG[T>G]CTTTCAGGGTCCTGGAGAAGGGGACAGATATCCAGGCCGTCAGACTGCTAGCCTCCATCA-3'
Protein context (NP_001358833.1, residues 48-68): KMAREPATLK[Asp58Ala]SLEQDLNNMN

ClinVar aggregate classification (germline): Uncertain significance (1 of 4 stars; one submission).

Conditions:
Cardiovascular phenotype. Identifiers: MedGen CN230736.

Submission:

Ambry Genetics
Classification: Uncertain significance for Cardiovascular phenotype. Last evaluated: 2025-08-09. Review status: criteria provided, single submitter. Criteria: Ambry Variant Classification Scheme 2023. Collection method: clinical testing. Allele origin: germline.
Comment: The p.D58A variant (also known as c.173A>C), located in coding exon 3 of the APOA5 gene, results from an A to C substitution at nucleotide position 173. The aspartic acid at codon 58 is replaced by alanine, an amino acid with dissimilar properties. This amino acid position is conserved. In addition, this alteration is predicted to be tolerated by in silico analysis. Based on the available evidence, the clinical significance of this variant remains unclear.